The following is an entry in ClinVar:

ClinVar aggregate classification (germline): Pathogenic (1 of 4 stars; one submission).

Conditions:
Diets-Jongmans syndrome. Also called: INTELLECTUAL DEVELOPMENTAL DISORDER WITH DISTINCTIVE FACIAL DYSMORPHISM. Identifiers: MedGen C5394263, MONDO:0030012, OMIM 618846.

Submission:

Juno Genomics, Hangzhou Juno Genomics, Inc
Classification: Pathogenic for Diets-Jongmans syndrome. Review status: criteria provided, single submitter. Criteria: ACMG Guidelines, 2015. Collection method: clinical testing. Allele origin: germline. Affected: yes.
Comment: Absent from controls (or at extremely low frequency if recessive) in Genome Aggregation Database.;Null variant in a gene where loss of function (LOF) is a known mechanism of disease.;Patient's phenotype or family history is highly specific for a disease with a single genetic etiology.

NM_016604.4(KDM3B):c.5111_5112del (p.Phe1704fs)

Gene: KDM3B (lysine demethylase 3B; plus strand). Cytogenetic location: 5q31.2.
Variant type: Deletion.
Coding change: c.5111_5112del on transcript NM_016604.4 (MANE Select); coding-DNA positions 5111 to 5112, 2 bases deleted (TT; older notation c.5111_5112delTT).
Protein change: p.Phe1704fs; shifts the reading frame from phenylalanine 1704.
Molecular consequence: frameshift variant.
Genome position (GRCh38, 1-based): chr5:138,431,465-138,431,466, TT deleted; deleting any 2 consecutive bases within chr5:138,431,464-138,431,466 gives the same sequence; the c. name uses the placement nearest the transcript's 3' end. VCF-style (leftmost placement, unchanged base first): chr5-138431463-CTT-C. GRCh37 (hg19) VCF-style: chr5-137767152-CTT-C.
Other names: short protein forms F1704fs.
Identifiers: ClinVar variation 5019683 (VCV005019683.1).